The following is an entry in ClinVar:

NM_001035.3(RYR2):c.10264C>T (p.Gln3422Ter)

Gene: RYR2 (ryanodine receptor 2; plus strand). Cytogenetic location: 1q43.
Variant type: single nucleotide variant.
Coding change: c.10264C>T on transcript NM_001035.3 (MANE Select); coding-DNA position 10264, C replaced by T.
Protein change: p.Gln3422Ter; replaces glutamine 3422 with a stop codon.
Molecular consequence: nonsense.
Genome position (GRCh38, 1-based): chr1:237,711,778, C>T. VCF-style: chr1-237711778-C-T. GRCh37 (hg19) VCF-style: chr1-237875078-C-T.
Other names: short protein forms Q3422*.
Identifiers: ClinVar variation 3069571 (VCV003069571.1), dbSNP rs2547427377, ClinGen allele CA345412567.

ClinVar aggregate classification (germline): Uncertain significance (1 of 4 stars; one submission).

Conditions:
Catecholaminergic polymorphic ventricular tachycardia (CVPT). Also called: Catecholamine-induced polymorphic ventricular tachycardia. Identifiers: Orphanet 3286, MedGen C5574922, MONDO:0017990.

Submission:

All of Us Research Program, National Institutes of Health
Classification: Uncertain significance for Catecholaminergic polymorphic ventricular tachycardia. Last evaluated: 2023-11-02. Review status: criteria provided, single submitter. Criteria: ACMG Guidelines, 2015. Collection method: clinical testing. Allele origin: germline. Inheritance: Autosomal dominant inheritance. Observed: 1 variant allele, 1 heterozygote.
Comment: This variant changes 1 nucleotide in exon 71 of the RYR2 gene, creating a premature translation stop signal. This variant is expected to result in an absent or non-functional protein product. To our knowledge, this variant has not been reported in individuals affected with RYR2-related disorders in the literature. This variant has not been identified in the general population by the Genome Aggregation Database (gnomAD). Clinical relevance of loss-of-function RYR2 truncation variants in autosomal dominant cardiovascular disorders is not clearly established. The available evidence is insufficient to determine the role of this variant in disease conclusively. Therefore, this variant is classified as a Variant of Uncertain Significance.

This study involves interpretation of variants in research participants for the purpose of population health screening. Participant phenotype was not available at the time of variant classification. Additional details can be found in publication PMID: 35346344, PMCID: PMC8962531